The following is an entry in ClinVar:

NM_014975.3(MAST1):c.548A>G (p.Lys183Arg)

Genes: MAST1 (microtubule associated serine/threonine kinase 1; plus strand), LOC117125587 (CRISPRi-FlowFISH-validated KLF1 and PRDX2 regulatory element; plus strand). Cytogenetic location: 19p13.13.
Variant type: single nucleotide variant.
Coding change: c.548A>G on transcript NM_014975.3 (MANE Select); coding-DNA position 548, A replaced by G.
Protein change: p.Lys183Arg; replaces lysine 183 with arginine.
Molecular consequence: missense variant.
Genome position (GRCh38, 1-based): chr19:12,847,671, A>G. VCF-style: chr19-12847671-A-G. GRCh37 (hg19) VCF-style: chr19-12958485-A-G.
Other names: short protein forms K183R.
Identifiers: ClinVar variation 2412997 (VCV002412997.4), dbSNP rs2512523786, ClinGen allele CA404260170.

ClinVar aggregate classification (germline): Uncertain significance (1 of 4 stars; one submission).

Allele frequency attached by ClinVar (database versions not stated): gnomAD exomes below 0.00001.
gnomAD v4.1: 1 of 1,613,620 alleles (0.000062%); highest among the groups gnomAD compares: Non-Finnish European, 0.000085%; no homozygotes.

Submission:

GeneDx
Classification: Uncertain significance. Last evaluated: 2022-07-29. Review status: criteria provided, single submitter. Criteria: GeneDx Variant Classification Process June 2021. Collection method: clinical testing. Allele origin: germline. Affected: yes.
Comment: Not observed at significant frequency in large population cohorts (gnomAD); In silico analysis supports that this missense variant does not alter protein structure/function; Has not been previously published as pathogenic or benign to our knowledge